The following is an entry in ClinVar:

ClinVar aggregate classification (germline): Uncertain significance (1 of 4 stars; one submission).

Allele frequency attached by ClinVar (database versions not stated): gnomAD exomes below 0.00001; ExAC 0.00002; gnomAD 0.00002; TOPMed 0.00005; ESP Exome Variant Server 0.00008.
gnomAD v4.1: 4 of 1,614,080 alleles (0.00025%); highest among the groups gnomAD compares: African/African-American, 0.0053%; no homozygotes.

Submission:

Labcorp Genetics (formerly Invitae), Labcorp
Classification: Uncertain significance. Last evaluated: 2023-10-22. Review status: criteria provided, single submitter. Criteria: Invitae Variant Classification Sherloc (09022015). Collection method: clinical testing. Allele origin: germline.
Comment: This sequence change replaces glycine, which is neutral and non-polar, with aspartic acid, which is acidic and polar, at codon 182 of the SLC22A4 protein (p.Gly182Asp). This variant is present in population databases (rs369071242, gnomAD 0.02%). This variant has not been reported in the literature in individuals affected with SLC22A4-related conditions. Advanced modeling of protein sequence and biophysical properties (such as structural, functional, and spatial information, amino acid conservation, physicochemical variation, residue mobility, and thermodynamic stability) performed at Invitae indicates that this missense variant is expected to disrupt SLC22A4 protein function. In summary, the available evidence is currently insufficient to determine the role of this variant in disease. Therefore, it has been classified as a Variant of Uncertain Significance.

NM_003059.3(SLC22A4):c.545G>A (p.Gly182Asp)

Genes: MIR3936HG (MIR3936 host gene; minus strand), SLC22A4 (solute carrier family 22 member 4; plus strand). Cytogenetic location: 5q31.1.
Variant type: single nucleotide variant.
Coding change: c.545G>A on transcript NM_003059.3 (MANE Select); coding-DNA position 545, G replaced by A.
Protein change: p.Gly182Asp; replaces glycine 182 with aspartic acid.
Molecular consequence: missense variant.
Genome position (GRCh38, 1-based): chr5:132,313,661, G>A. VCF-style: chr5-132313661-G-A. GRCh37 (hg19) VCF-style: chr5-131649354-G-A.
Other names: short protein forms G182D.
Identifiers: ClinVar variation 3008750 (VCV003008750.3), dbSNP rs369071242, ClinGen allele CA3403442.
Genomic context (GRCh38, chr5:132,313,661, plus strand): 5'-CTGCATTCTCTAGGTTTGGCAGGAAGAACGTTCTCTTCGCAACCATGGCTGTACAGACTG[G>A]CTTCAGCTTCCTGCAGATTTTCTCCATCAGCTGGGAGATGTTCACTGTGTTATTTGTCAT-3'
Protein context (NP_003050.2, residues 172-192): VLFATMAVQT[Gly182Asp]FSFLQIFSIS